The following is an entry in ClinVar:

ClinVar aggregate classification (germline): Likely pathogenic (1 of 4 stars; one submission).

Conditions:
Methylmalonic aciduria due to methylmalonyl-CoA mutase deficiency (MAMM). Also called: Methylmalonic aciduria, mut type. Identifiers: Orphanet 27, MedGen C1855114, MONDO:0009612, OMIM 251000.

Submission:

Myriad Genetics, Inc.
Classification: Likely pathogenic for Methylmalonic aciduria due to methylmalonyl-CoA mutase deficiency. Last evaluated: 2019-12-05. Review status: criteria provided, single submitter. Criteria: Myriad Women's Health Autosomal Recessive and X-Linked Classification Criteria (2019). Collection method: clinical testing. Allele origin: unknown.
Comment: NM_000255.3(MUT):c.1287C>A(Y429*) is expected to be pathogenic in the context of MUT-related methylmalonic acidemia. This variant is predicted to lead to an abnormal or absent protein product due to the creation of a premature termination codon in MUT, a gene where loss-of-function variants are known to be pathogenic. Please note: this variant was assessed in the context of healthy population screening.

NM_000255.4(MMUT):c.1287C>A (p.Tyr429Ter)

Gene: MMUT (methylmalonyl-CoA mutase; minus strand). Cytogenetic location: 6p12.3.
Variant type: single nucleotide variant.
Coding change: c.1287C>A on transcript NM_000255.4 (MANE Select); coding-DNA position 1287, C replaced by A.
Protein change: p.Tyr429Ter; replaces tyrosine 429 with a stop codon.
Molecular consequence: nonsense.
Genome position (GRCh38, 1-based): chr6:49,451,511, G>T on the plus strand (C>A on the coding strand, the complement: MMUT is on the minus strand). VCF-style: chr6-49451511-G-T. GRCh37 (hg19) VCF-style: chr6-49419224-G-T.
Other names: short protein forms Y429*.
Identifiers: ClinVar variation 984147 (VCV000984147.3), dbSNP rs1346775255, ClinGen allele CA364398725.